The following is an entry in ClinVar:

ClinVar aggregate classification (germline): Uncertain significance (1 of 4 stars; one submission).

Submission:

Labcorp Genetics (formerly Invitae), Labcorp
Classification: Uncertain significance. Last evaluated: 2024-02-17. Review status: criteria provided, single submitter. Criteria: Invitae Variant Classification Sherloc (09022015). Collection method: clinical testing. Allele origin: germline.
Comment: This sequence change replaces aspartic acid, which is acidic and polar, with asparagine, which is neutral and polar, at codon 637 of the COL4A2 protein (p.Asp637Asn). This variant is not present in population databases (gnomAD no frequency). This variant has not been reported in the literature in individuals affected with COL4A2-related conditions. ClinVar contains an entry for this variant (Variation ID: 1398086). Advanced modeling of protein sequence and biophysical properties (such as structural, functional, and spatial information, amino acid conservation, physicochemical variation, residue mobility, and thermodynamic stability) performed at Invitae indicates that this missense variant is not expected to disrupt COL4A2 protein function with a negative predictive value of 95%. In summary, the available evidence is currently insufficient to determine the role of this variant in disease. Therefore, it has been classified as a Variant of Uncertain Significance.

NM_001846.4(COL4A2):c.1909G>A (p.Asp637Asn)

Gene: COL4A2 (collagen type IV alpha 2 chain; plus strand). Cytogenetic location: 13q34.
Variant type: single nucleotide variant.
Coding change: c.1909G>A on transcript NM_001846.4 (MANE Select); coding-DNA position 1909, G replaced by A.
Protein change: p.Asp637Asn; replaces aspartic acid 637 with asparagine.
Molecular consequence: missense variant.
Genome position (GRCh38, 1-based): chr13:110,465,537, G>A. VCF-style: chr13-110465537-G-A. GRCh37 (hg19) VCF-style: chr13-111117884-G-A.
Other names: short protein forms D637N.
Identifiers: ClinVar variation 1398086 (VCV001398086.6), dbSNP rs2139503578, ClinGen allele CA388739462.